The following is an entry in ClinVar:

ClinVar aggregate classification (germline): Uncertain significance (1 of 4 stars; one submission).

Conditions:
SEMA7A-related disorder. Also called: SEMA7A-related condition.

gnomAD v4.1: 21 of 1,613,508 alleles (0.0013%); highest among the groups gnomAD compares: African/African-American, 0.013%; no homozygotes.

Submission:

PreventionGenetics, part of Exact Sciences
Classification: Uncertain significance for SEMA7A-related condition. Last evaluated: 2026-01-26. Review status: criteria provided, single submitter. Criteria: ACMG Guidelines, 2015. Collection method: clinical testing. Allele origin: germline.
Comment: The SEMA7A c.556G>A variant is predicted to result in the amino acid substitution p.Glu186Lys. To our knowledge, this variant has not been reported in the literature. This variant is reported in 0.020% of alleles in individuals of African descent in gnomAD. At this time, the clinical significance of this variant is uncertain due to the absence of conclusive functional and genetic evidence.

NM_003612.5(SEMA7A):c.556G>A (p.Glu186Lys)

Gene: SEMA7A (semaphorin 7A (JohnMiltonHagen blood group); minus strand). Cytogenetic location: 15q24.1.
Variant type: single nucleotide variant.
Coding change: c.556G>A on transcript NM_003612.5 (MANE Select); coding-DNA position 556, G replaced by A.
Protein change: p.Glu186Lys; replaces glutamic acid 186 with lysine.
Molecular consequence: missense variant.
Genome position (GRCh38, 1-based): chr15:74,417,440, C>T on the plus strand (G>A on the coding strand, the complement: SEMA7A is on the minus strand). VCF-style: chr15-74417440-C-T. GRCh37 (hg19) VCF-style: chr15-74709781-C-T.
Other names: c.514G>A, p.Glu172Lys (NM_001146029.3); c.61G>A, p.Glu21Lys (NM_001146030.3); short protein forms E21K, E172K, E186K.
Identifiers: ClinVar variation 4987451 (VCV004987451.1).
Genomic context (GRCh38, chr15:74,417,440, plus strand): 5'-TGCGGCGGAACCGAGGGATCTTCCCATTGTATTCCTGCTTCCGGATGGTGGAATACACCT[C>T]GTCCCCTGGGGTCAGTGGGAGGGAGAAATGAGTAAGGGCAGGCAGCTCCTGGAAGTCCCT-3'
Protein context (NP_003603.1, residues 176-196): ENSLVLFEGD[Glu186Lys]VYSTIRKQEY